The following is an entry in ClinVar:

ClinVar aggregate classification (germline): Uncertain significance (1 of 4 stars; one submission).

Conditions:
KBG syndrome (KBGS). Also called: ANKRD11-Related KBG Syndrome. Identifiers: Orphanet 2332, MedGen C0220687, MONDO:0007846, OMIM 148050.

gnomAD v4.1: 6 of 1,612,184 alleles (0.00037%); highest among the groups gnomAD compares: East Asian, 0.0089%; no homozygotes.

Submission:

Labcorp Genetics (formerly Invitae), Labcorp
Classification: Uncertain significance for KBG syndrome. Last evaluated: 2022-06-08. Review status: criteria provided, single submitter. Criteria: Invitae Variant Classification Sherloc (09022015). Collection method: clinical testing. Allele origin: germline.
Comment: This variant is not present in population databases (gnomAD no frequency). In summary, the available evidence is currently insufficient to determine the role of this variant in disease. Therefore, it has been classified as a Variant of Uncertain Significance. Advanced modeling of protein sequence and biophysical properties (such as structural, functional, and spatial information, amino acid conservation, physicochemical variation, residue mobility, and thermodynamic stability) performed at Invitae indicates that this missense variant is not expected to disrupt ANKRD11 protein function. This variant has not been reported in the literature in individuals affected with ANKRD11-related conditions. This sequence change replaces lysine, which is basic and polar, with asparagine, which is neutral and polar, at codon 995 of the ANKRD11 protein (p.Lys995Asn).

NM_013275.6(ANKRD11):c.2985G>C (p.Lys995Asn)

Gene: ANKRD11 (ankyrin repeat domain 11; minus strand). Cytogenetic location: 16q24.3.
Variant type: single nucleotide variant.
Coding change: c.2985G>C on transcript NM_013275.6 (MANE Select); coding-DNA position 2985, G replaced by C.
Protein change: p.Lys995Asn; replaces lysine 995 with asparagine.
Molecular consequence: missense variant.
Genome position (GRCh38, 1-based): chr16:89,283,557, C>G on the plus strand (G>C on the coding strand, the complement: ANKRD11 is on the minus strand). VCF-style: chr16-89283557-C-G. GRCh37 (hg19) VCF-style: chr16-89349965-C-G.
Other names: c.2985G>C, p.Lys995Asn (NM_001256182.2, NM_001256183.2); short protein forms K995N.
Identifiers: ClinVar variation 1940095 (VCV001940095.5), dbSNP rs2151757174, ClinGen allele CA397160853.